The following is an entry in ClinVar:

NM_000383.4(AIRE):c.708C>T (p.Phe236=)

Gene: AIRE (autoimmune regulator; plus strand). Cytogenetic location: 21q22.3.
Variant type: single nucleotide variant.
Coding change: c.708C>T on transcript NM_000383.4 (MANE Select); coding-DNA position 708, C replaced by T.
Protein change: p.Phe236=; no amino-acid change (phenylalanine 236 retained).
Molecular consequence: synonymous variant.
Genome position (GRCh38, 1-based): chr21:44,289,712, C>T. VCF-style: chr21-44289712-C-T. GRCh37 (hg19) VCF-style: chr21-45709595-C-T.
Identifiers: ClinVar variation 796195 (VCV000796195.15), dbSNP rs908180454, ClinGen allele CA512490965.

ClinVar aggregate classification (germline): Likely benign. Review status: criteria provided, single submitter (1 of 4 stars). 3 submissions from 3 submitters: Likely benign (1). 2 of the submissions do not count toward it. Last evaluated 2025-11-16.

Conditions:
AIRE-related disorder. Also called: AIRE-related condition.
Polyglandular autoimmune syndrome, type 1 (APS1). Also called: Autoimmune polyendocrinopathy syndrome , type I, with or without reversible metaphyseal dysplasia; HYPOADRENOCORTICISM WITH HYPOPARATHYROIDISM AND SUPERFICIAL MONILIASIS; Autoimmune polyendocrine syndrome type 1; PGA I; Whitaker syndrome; APS I. Identifiers: Orphanet 3453, MedGen C0085859, MONDO:0009411, OMIM 240300.

Allele frequency attached by ClinVar (database versions not stated): TOPMed 0.00003; gnomAD exomes below 0.00001 and 0.00001.
gnomAD v4.1: 11 of 1,612,720 alleles (0.00068%); highest among the groups gnomAD compares: African/African-American, 0.0027%; no homozygotes.

Submissions (3):

Labcorp Genetics (formerly Invitae), Labcorp
Classification: Likely benign for Polyglandular autoimmune syndrome, type 1. Last evaluated: 2025-11-16. Review status: criteria provided, single submitter. Criteria: Invitae Variant Classification Sherloc (09022015). Collection method: clinical testing. Allele origin: germline.

Natera, Inc.
Classification: Likely benign for Polyglandular autoimmune syndrome type 1. Last evaluated: 2020-01-14. Review status: no assertion criteria provided. Collection method: clinical testing. Allele origin: germline. Not counted in ClinVar's aggregate classification.

PreventionGenetics, part of Exact Sciences
Classification: Likely benign for AIRE-related condition. Last evaluated: 2019-06-06. Review status: no assertion criteria provided. Collection method: clinical testing. Allele origin: germline. Not counted in ClinVar's aggregate classification.
Comment: This variant is classified as likely benign based on ACMG/AMP sequence variant interpretation guidelines (Richards et al. 2015 PMID: 25741868, with internal and published modifications).